The following is an entry in ClinVar:

ClinVar aggregate classification (germline): Likely benign. Review status: criteria provided, multiple submitters, no conflicts (2 of 4 stars). 3 submissions from 3 submitters: Likely benign (2). 1 of the submissions does not count toward it. Last evaluated 2026-01-28.

Conditions:
DHDDS-related disorder. Also called: DHDDS-related condition.
Retinitis pigmentosa 59 (RP59). Identifiers: Orphanet 791, MedGen C3151227, MONDO:0013468, OMIM 613861.

Allele frequency attached by ClinVar (database versions not stated): gnomAD 0.00001 and 0.00003; gnomAD exomes 0.00002 and 0.00010; TOPMed 0.00002; ExAC 0.00008; 1000 Genomes Project 30x 0.00047; 1000 Genomes Project 0.00060.
gnomAD v4.1: 34 of 1,613,546 alleles (0.0021%); highest among the groups gnomAD compares: East Asian, 0.071%; no homozygotes.

Submissions (3):

Labcorp Genetics (formerly Invitae), Labcorp
Classification: Likely benign for Retinitis pigmentosa 59. Last evaluated: 2026-01-28. Review status: criteria provided, single submitter. Criteria: Invitae Variant Classification Sherloc (09022015). Collection method: clinical testing. Allele origin: germline.

Blueprint Genetics
Classification: Likely benign. Last evaluated: 2024-09-23. Review status: criteria provided, single submitter. Criteria: ACMG Guidelines, 2015. Collection method: clinical testing. Allele origin: germline.

PreventionGenetics, part of Exact Sciences
Classification: Likely benign for DHDDS-related condition. Last evaluated: 2019-08-21. Review status: no assertion criteria provided. Collection method: clinical testing. Allele origin: germline. Not counted in ClinVar's aggregate classification.
Comment: This variant is classified as likely benign based on ACMG/AMP sequence variant interpretation guidelines (Richards et al. 2015 PMID: 25741868, with internal and published modifications).

NM_205861.3(DHDDS):c.64-7T>C

Gene: DHDDS (dehydrodolichyl diphosphate synthase subunit; plus strand). Cytogenetic location: 1p36.11.
Variant type: single nucleotide variant.
Coding change: c.64-7T>C on transcript NM_205861.3 (MANE Select); 7 bases into the intron before coding-DNA position 64, T replaced by C.
Molecular consequence: intron variant.
Genome position (GRCh38, 1-based): chr1:26,438,161, T>C. VCF-style: chr1-26438161-T-C. GRCh37 (hg19) VCF-style: chr1-26764652-T-C.
Other names: c.-239-7T>C (NM_001319959.2); c.64-7T>C (NM_024887.4, NM_001243564.2, NM_001243565.2 and 1 more transcripts).
Identifiers: ClinVar variation 1112527 (VCV001112527.12), dbSNP rs557755780, ClinGen allele CA705239.